The following is an entry in ClinVar:

ClinVar aggregate classification (germline): Benign/Likely benign. Review status: criteria provided, multiple submitters, no conflicts (2 of 4 stars). 14 submissions from 14 submitters: Benign (11); Likely benign (1). 2 of the submissions do not count toward it. Last evaluated 2026-06-12.

Conditions:
Autosomal recessive distal spinal muscular atrophy 1. Also called: HMN VI; NEURONOPATHY, SEVERE INFANTILE AXONAL, WITH RESPIRATORY FAILURE; NEURONOPATHY, DISTAL HEREDITARY MOTOR, HARDING TYPE VI; NEUROPATHY, DISTAL HEREDITARY MOTOR, AUTOSOMAL RECESSIVE 1; SEVERE INFANTILE AXONAL NEUROPATHY WITH RESPIRATORY FAILURE; SPINAL MUSCULAR ATROPHY, DIAPHRAGMATIC. Identifiers: Orphanet 98920, MedGen C1858517, MONDO:0011436, OMIM 604320.
Charcot-Marie-Tooth disease axonal type 2S. Also called: CHARCOT-MARIE-TOOTH DISEASE, AXONAL, AUTOSOMAL RECESSIVE, TYPE 2S; CHARCOT-MARIE-TOOTH NEUROPATHY, TYPE 2S. Identifiers: Orphanet 443073, MedGen C4015349, MONDO:0014511, OMIM 616155.
Charcot-Marie-Tooth disease. Also called: Charcot-Marie-Tooth Hereditary Neuropathy; Charcot-Marie-Tooth Neuropathy. Identifiers: Orphanet 166, MedGen C0007959, MONDO:0015626.

Allele frequency attached by ClinVar (database versions not stated): 1000 Genomes Project 0.13279; 1000 Genomes Project 30x 0.13601; gnomAD exomes 0.18586 and 0.22344; gnomAD 0.19975 and 0.20651; TOPMed 0.21065; ESP Exome Variant Server 0.22267; ExAC 0.22988.
gnomAD v4.1: 355,527 of 1,608,376 alleles (22%); highest among the groups gnomAD compares: Non-Finnish European, 25%; 41,992 homozygotes.

Submissions (14):

Women's Health and Genetics/Laboratory Corporation of America, LabCorp
Classification: Benign. Last evaluated: 2026-06-12. Review status: criteria provided, single submitter. Criteria: LabCorp Variant Classification Summary - May 2015. Collection method: clinical testing. Allele origin: germline.

Labcorp Genetics (formerly Invitae), Labcorp
Classification: Benign for Autosomal recessive distal spinal muscular atrophy 1; Charcot-Marie-Tooth disease axonal type 2S. Last evaluated: 2026-02-04. Review status: criteria provided, single submitter. Criteria: Invitae Variant Classification Sherloc (09022015). Collection method: clinical testing. Allele origin: germline.

Blueprint Genetics
Classification: Likely benign. Last evaluated: 2024-11-27. Review status: criteria provided, single submitter. Criteria: ACMG Guidelines, 2015. Collection method: clinical testing. Allele origin: germline.

Genome-Nilou Lab
Classification: Benign for Charcot-Marie-Tooth disease axonal type 2S. Last evaluated: 2021-08-10. Review status: criteria provided, single submitter. Criteria: ACMG Guidelines, 2015. Collection method: clinical testing. Allele origin: germline. Affected: no.

Illumina Laboratory Services, Illumina
Classification: Benign for Autosomal recessive distal spinal muscular atrophy 1. Last evaluated: 2017-04-27. Review status: criteria provided, single submitter. Criteria: ICSL Variant Classification Criteria 13 December 2019. Collection method: clinical testing. Allele origin: germline.
Comment: This variant was observed as part of a predisposition screen in an ostensibly healthy population. A literature search was performed for the gene, cDNA change, and amino acid change (where applicable). No publications were found based on this search. Allele frequency data from public databases was too high to be consistent with this variant causing disease. Therefore, this variant is classified as benign.

Athena Diagnostics
Classification: Benign for Autosomal recessive distal spinal muscular atrophy 1. Last evaluated: 2017-04-14. Review status: criteria provided, single submitter. Criteria: Athena Diagnostics Criteria. Collection method: clinical testing. Allele origin: germline.

Laboratory for Molecular Medicine, Mass General Brigham Personalized Medicine
Classification: Benign. Last evaluated: 2016-03-28. Review status: criteria provided, single submitter. Criteria: LMM Criteria. Collection method: clinical testing. Allele origin: germline.
Comment: Variant identified in a genome or exome case(s) and assessed due to predicted null impact of the variant or pathogenic assertions in the literature or databases. Disclaimer: This variant has not undergone full assessment. The following are preliminary notes: 23% of total chromosomes in ExAC

Mayo Clinic Laboratories, Mayo Clinic
Classification: Benign. Last evaluated: 2016-03-02. Review status: criteria provided, single submitter. Criteria: ACMG Guidelines, 2015. Collection method: clinical testing. Allele origin: germline. Observed: 889 variant alleles.

GeneDx
Classification: Benign. Last evaluated: 2015-03-03. Review status: criteria provided, single submitter. Criteria: GeneDx Variant Classification Process June 2021. Collection method: clinical testing. Allele origin: germline. Affected: yes.

Breakthrough Genomics
Classification: Benign. Review status: criteria provided, single submitter. Criteria: ACMG Guidelines, 2015. Collection method: not provided. Allele origin: germline. Inheritance: Autosomal recessive inheritance. Affected: yes.

Molecular Genetics Laboratory, London Health Sciences Centre
Classification: Benign for Charcot-Marie-Tooth disease. Review status: criteria provided, single submitter. Criteria: ACMG Guidelines, 2015. Collection method: clinical testing. Allele origin: germline. Affected: yes.

PreventionGenetics, part of Exact Sciences
Classification: Benign. Review status: criteria provided, single submitter. Criteria: ACMG Guidelines, 2015. Collection method: clinical testing. Allele origin: germline.

Clinical Genetics, Academic Medical Center
Classification: Benign. Review status: no assertion criteria provided. Collection method: clinical testing. Allele origin: germline. Affected: yes. Study: VKGL Data-share Consensus. Not counted in ClinVar's aggregate classification.

Diagnostic Laboratory, Department of Genetics, University Medical Center Groningen
Classification: Benign for Autosomal recessive distal spinal muscular atrophy 1. Review status: no assertion criteria provided. Collection method: clinical testing. Allele origin: germline. Affected: yes. Study: VKGL Data-share Consensus. Not counted in ClinVar's aggregate classification.

NM_002180.3(IGHMBP2):c.1554C>T (p.Val518=)

Genes: IGHMBP2 (immunoglobulin mu DNA binding protein 2; plus strand), LOC126861245 (CDK7 strongly-dependent group 2 enhancer GRCh37_chr11:68701479-68702678; plus strand). Cytogenetic location: 11q13.3.
Variant type: single nucleotide variant.
Coding change: c.1554C>T on transcript NM_002180.3 (MANE Select); coding-DNA position 1554, C replaced by T.
Protein change: p.Val518=; no amino-acid change (valine 518 retained).
Molecular consequence: synonymous variant.
Genome position (GRCh38, 1-based): chr11:68,934,480, C>T. VCF-style: chr11-68934480-C-T. GRCh37 (hg19) VCF-style: chr11-68701948-C-T.
Other names: p.Val518=.
Identifiers: ClinVar variation 258560 (VCV000258560.27), dbSNP rs11228413, ClinGen allele CA6153703.